The following is an entry in ClinVar:

ClinVar aggregate classification (germline): Uncertain significance. Review status: criteria provided, multiple submitters, no conflicts (2 of 4 stars). 2 submissions from 2 submitters: Uncertain significance (2). Last evaluated 2025-01-06.

Conditions:
Developmental and epileptic encephalopathy, 1 (DEE1). Also called: Epileptic encephalopathy, early infantile, 1; X-linked infantile spasms; West's syndrome; OHTAHARA SYNDROME, X-LINKED; Tonic spasms with clustering, arrest of psychomotor development and hypsarrhythmia on EEG; X-Linked Infantile Spasm Syndrome. Identifiers: MedGen C3463992, MONDO:0010632, OMIM 308350. Disease mechanism: loss of function.
Autosomal recessive spinocerebellar ataxia 12. Also called: SPINOCEREBELLAR ATAXIA WITH MENTAL RETARDATION AND EPILEPSY. Identifiers: Orphanet 284282, MedGen C3280452, MONDO:0013687, OMIM 614322.

gnomAD v4.1: 9 of 1,614,104 alleles (0.00056%); highest among the groups gnomAD compares: Non-Finnish European, 0.00051%; no homozygotes.

Submissions (2):

Labcorp Genetics (formerly Invitae), Labcorp
Classification: Uncertain significance for Developmental and epileptic encephalopathy, 1; Autosomal recessive spinocerebellar ataxia 12. Last evaluated: 2025-01-06. Review status: criteria provided, single submitter. Criteria: Invitae Variant Classification Sherloc (09022015). Collection method: clinical testing. Allele origin: germline.
Comment: This sequence change replaces aspartic acid, which is acidic and polar, with glutamic acid, which is acidic and polar, at codon 87 of the WWOX protein (p.Asp87Glu). This variant is present in population databases (no rsID available, gnomAD 0.0009%). This variant has not been reported in the literature in individuals affected with WWOX-related conditions. ClinVar contains an entry for this variant (Variation ID: 1450255). An algorithm developed to predict the effect of missense changes on protein structure and function (PolyPhen-2) suggests that this variant is likely to be disruptive. In summary, the available evidence is currently insufficient to determine the role of this variant in disease. Therefore, it has been classified as a Variant of Uncertain Significance.

Blueprint Genetics
Classification: Uncertain significance. Last evaluated: 2021-03-31. Review status: criteria provided, single submitter. Criteria: ACMG Guidelines, 2015. Collection method: clinical testing. Allele origin: germline.

NM_016373.4(WWOX):c.261C>G (p.Asp87Glu)

Gene: WWOX (WW domain containing oxidoreductase; plus strand). Cytogenetic location: 16q23.1.
Variant type: single nucleotide variant.
Coding change: c.261C>G on transcript NM_016373.4 (MANE Select); coding-DNA position 261, C replaced by G.
Protein change: p.Asp87Glu; replaces aspartic acid 87 with glutamic acid.
Molecular consequence: missense variant. On other transcripts: 5 prime UTR variant (1), non-coding transcript variant (1).
Genome position (GRCh38, 1-based): chr16:78,115,006, C>G. VCF-style: chr16-78115006-C-G. GRCh37 (hg19) VCF-style: chr16-78148903-C-G.
Other names: c.-79C>G (NM_001291997.2); c.261C>G, p.Asp87Glu (NM_130791.5); short protein forms D87E.
Identifiers: ClinVar variation 1450255 (VCV001450255.8), dbSNP rs368902462, ClinGen allele CA396842344.